The following is an entry in ClinVar:

NM_032638.5(GATA2):c.211T>G (p.Ser71Ala)

Gene: GATA2 (GATA binding protein 2; minus strand). Cytogenetic location: 3q21.3.
Variant type: single nucleotide variant.
Coding change: c.211T>G on transcript NM_032638.5 (MANE Select); coding-DNA position 211, T replaced by G.
Protein change: p.Ser71Ala; replaces serine 71 with alanine.
Molecular consequence: missense variant.
Genome position (GRCh38, 1-based): chr3:128,486,821, A>C on the plus strand (T>G on the coding strand, the complement: GATA2 is on the minus strand). VCF-style: chr3-128486821-A-C. GRCh37 (hg19) VCF-style: chr3-128205664-A-C.
Other names: c.211T>G, p.Ser71Ala (NM_001145661.2, NM_001145662.1); short protein forms S71A.
Identifiers: ClinVar variation 2948659 (VCV002948659.3), dbSNP rs2472934135, ClinGen allele CA354408259.

ClinVar aggregate classification (germline): Uncertain significance (1 of 4 stars; one submission).

Conditions:
Deafness-lymphedema-leukemia syndrome. Also called: Emberger syndrome; Lymphedema, primary, with myelodysplasia. Identifiers: Orphanet 3226, MedGen C3279664, MONDO:0013540, OMIM 614038.
Monocytopenia with susceptibility to infections. Also called: IMMUNODEFICIENCY 21; GATA2 DEFICIENCY; MONOCYTOPENIA AND MYCOBACTERIAL INFECTION SYNDROME; MONOCYTOPENIA WITH SUSCEPTIBILITY TO MYCOBACTERIAL, FUNGAL, AND PAPILLOMAVIRUS INFECTIONS AND MYELODYSPLASIA; COMBINED IMMUNODEFICIENCY WITH SUSCEPTIBILITY TO MYCOBACTERIAL, VIRAL, AND FUNGAL INFECTIONS; Dendritic cell, monocyte, B lymphocyte, and natural killer lymphocyte deficiency. Identifiers: Orphanet 228423, MedGen C3280030, MONDO:0013607, OMIM 614172.

Submission:

Labcorp Genetics (formerly Invitae), Labcorp
Classification: Uncertain significance for Monocytopenia with susceptibility to infections; Deafness-lymphedema-leukemia syndrome. Last evaluated: 2023-06-07. Review status: criteria provided, single submitter. Criteria: Invitae Variant Classification Sherloc (09022015). Collection method: clinical testing. Allele origin: germline.
Comment: In summary, the available evidence is currently insufficient to determine the role of this variant in disease. Therefore, it has been classified as a Variant of Uncertain Significance. Advanced modeling of protein sequence and biophysical properties (such as structural, functional, and spatial information, amino acid conservation, physicochemical variation, residue mobility, and thermodynamic stability) performed at Invitae indicates that this missense variant is not expected to disrupt GATA2 protein function. This variant has not been reported in the literature in individuals affected with GATA2-related conditions. This variant is not present in population databases (gnomAD no frequency). This sequence change replaces serine, which is neutral and polar, with alanine, which is neutral and non-polar, at codon 71 of the GATA2 protein (p.Ser71Ala).